The following is an entry in ClinVar:

NM_022552.5(DNMT3A):c.2091G>T (p.Glu697Asp)

Gene: DNMT3A (DNA methyltransferase 3 alpha; minus strand). Cytogenetic location: 2p23.3.
Variant type: single nucleotide variant.
Coding change: c.2091G>T on transcript NM_022552.5 (MANE Select); coding-DNA position 2091, G replaced by T.
Protein change: p.Glu697Asp; replaces glutamic acid 697 with aspartic acid.
Molecular consequence: missense variant. On other transcripts: non-coding transcript variant (1).
Genome position (GRCh38, 1-based): chr2:25,240,722, C>A on the plus strand (G>T on the coding strand, the complement: DNMT3A is on the minus strand). VCF-style: chr2-25240722-C-A. GRCh37 (hg19) VCF-style: chr2-25463591-C-A.
Other names: c.1635G>T, p.Glu545Asp (NM_001320893.1); c.1422G>T, p.Glu474Asp (NM_001375819.1); c.1524G>T, p.Glu508Asp (NM_153759.3); c.2091G>T, p.Glu697Asp (NM_175629.2); short protein forms E508D, E697D, E474D, E545D.
Identifiers: ClinVar variation 4243594 (VCV004243594.1).

ClinVar aggregate classification (germline): Uncertain significance (1 of 4 stars; one submission).

Conditions:
Inborn genetic diseases. Identifiers: MedGen C0950123, MeSH D030342.

Submission:

Ambry Genetics
Classification: Uncertain significance for Inborn genetic diseases. Last evaluated: 2025-07-11. Review status: criteria provided, single submitter. Criteria: Ambry Variant Classification Scheme 2023. Collection method: clinical testing. Allele origin: germline.
Comment: The p.E697D variant (also known as c.2091G>T), located in coding exon 17 of the DNMT3A gene, results from a G to T substitution at nucleotide position 2091. The glutamic acid at codon 697 is replaced by aspartic acid, an amino acid with highly similar properties. This amino acid position is conserved. In addition, the in silico prediction for this alteration is inconclusive. Based on the available evidence, the clinical significance of this variant remains unclear.